The following is an entry in ClinVar:

ClinVar aggregate classification (germline): Uncertain significance (1 of 4 stars; one submission).

Submission:

Labcorp Genetics (formerly Invitae), Labcorp
Classification: Uncertain significance. Last evaluated: 2024-12-02. Review status: criteria provided, single submitter. Criteria: Invitae Variant Classification Sherloc (09022015). Collection method: clinical testing. Allele origin: germline.
Comment: This sequence change replaces threonine, which is neutral and polar, with methionine, which is neutral and non-polar, at codon 257 of the CCER2 protein (p.Thr257Met). This variant is present in population databases (rs765411527, gnomAD 0.007%). This variant has not been reported in the literature in individuals affected with CCER2-related conditions. An algorithm developed to predict the effect of missense changes on protein structure and function outputs the following: PolyPhen-2: "Benign". The methionine amino acid residue is found in multiple mammalian species, which suggests that this missense change does not adversely affect protein function. In summary, the available evidence is currently insufficient to determine the role of this variant in disease. Therefore, it has been classified as a Variant of Uncertain Significance.

NM_001243212.2(CCER2):c.770C>T (p.Thr257Met)

Gene: CCER2 (coiled-coil glutamate rich protein 2; minus strand). Cytogenetic location: 19q13.2.
Variant type: single nucleotide variant.
Coding change: c.770C>T on transcript NM_001243212.2 (MANE Select); coding-DNA position 770, C replaced by T.
Protein change: p.Thr257Met; replaces threonine 257 with methionine.
Molecular consequence: missense variant.
Genome position (GRCh38, 1-based): chr19:38,909,267, G>A on the plus strand (C>T on the coding strand, the complement: CCER2 is on the minus strand). VCF-style: chr19-38909267-G-A. GRCh37 (hg19) VCF-style: chr19-39399907-G-A.
Other names: short protein forms T257M.
Identifiers: ClinVar variation 3709949 (VCV003709949.2).